The following is an entry in ClinVar:

NM_006892.4(DNMT3B):c.1920C>T (p.Gly640=)

Gene: DNMT3B (DNA methyltransferase 3 beta; plus strand). Cytogenetic location: 20q11.21.
Variant type: single nucleotide variant.
Coding change: c.1920C>T on transcript NM_006892.4 (MANE Select); coding-DNA position 1920, C replaced by T.
Protein change: p.Gly640=; no amino-acid change (glycine 640 retained).
Molecular consequence: synonymous variant.
Genome position (GRCh38, 1-based): chr20:32,800,849, C>T. VCF-style: chr20-32800849-C-T. GRCh37 (hg19) VCF-style: chr20-31388655-C-T.
Other names: c.1734C>T, p.Gly578= (NM_001207055.2); c.1632C>T, p.Gly544= (NM_001207056.2); c.1860C>T, p.Gly620= (NM_175848.2, NM_175849.2); c.1896C>T, p.Gly632= (NM_175850.3).
Identifiers: ClinVar variation 1170713 (VCV001170713.37), dbSNP rs532347792, ClinGen allele CA9810764.
Genomic context (GRCh38, chr20:32,800,849, plus strand): 5'-TTCCCTCTGTCCACACCCTCATCCTGACTCTGTCTCTCTCTTTCAGATTGAAGAATGGGG[C>T]CCATTTGACTTGGTGATTGGCGGAAGCCCATGCAACGATCTCTCAAATGTGAATCCAGCC-3'
Protein context (NP_008823.1, residues 630-650): NITKKNIEEW[Gly640=]PFDLVIGGSP

ClinVar aggregate classification (germline): Benign/Likely benign. Review status: criteria provided, multiple submitters, no conflicts (2 of 4 stars). 3 submissions from 3 submitters: Benign (1); Likely benign (2). Last evaluated 2026-01-12.

Conditions:
Centromeric instability of chromosomes 1,9 and 16 and immunodeficiency (ICF1). Also called: Immunodeficiency-centromeric instability-facial anomalies; IMMUNE DEFICIENCY, VARIABLE, WITH CENTROMERIC INSTABILITY OF CHROMOSOMES 1, 9, AND 16; IMMUNODEFICIENCY SYNDROME, VARIABLE; CENTROMERIC INSTABILITY, IMMUNODEFICIENCY SYNDROME. Identifiers: Orphanet 2268, MedGen C0398788, MONDO:0000133.

Allele frequency attached by ClinVar (database versions not stated): gnomAD 0.00003; 1000 Genomes Project 30x 0.00016; 1000 Genomes Project 0.00020.
gnomAD v4.1: 158 of 1,614,210 alleles (0.0098%); highest among the groups gnomAD compares: South Asian, 0.15%; no homozygotes.

Submissions (3):

Labcorp Genetics (formerly Invitae), Labcorp
Classification: Benign for Centromeric instability of chromosomes 1,9 and 16 and immunodeficiency. Last evaluated: 2026-01-12. Review status: criteria provided, single submitter. Criteria: Invitae Variant Classification Sherloc (09022015). Collection method: clinical testing. Allele origin: germline.

Blueprint Genetics
Classification: Likely benign. Last evaluated: 2024-11-21. Review status: criteria provided, single submitter. Criteria: ACMG Guidelines, 2015. Collection method: clinical testing. Allele origin: germline.

CeGaT Center for Human Genetics Tuebingen
Classification: Likely benign. Last evaluated: 2023-05-01. Review status: criteria provided, single submitter. Criteria: CeGaT Center For Human Genetics Tuebingen Variant Classification Criteria Version 2. Collection method: clinical testing. Allele origin: germline. Affected: yes. Observed: 1 variant allele.
Comment: DNMT3B: BP4, BP7